The following is an entry in ClinVar:

ClinVar aggregate classification (germline): Uncertain significance (1 of 4 stars; one submission).

Allele frequency attached by ClinVar (database versions not stated): ExAC 0.00001; TOPMed 0.00001.
gnomAD v4.1: 7 of 1,614,176 alleles (0.00043%); highest among the groups gnomAD compares: Admixed American, 0.0017%; no homozygotes.

Submission:

Labcorp Genetics (formerly Invitae), Labcorp
Classification: Uncertain significance. Last evaluated: 2022-08-29. Review status: criteria provided, single submitter. Criteria: Invitae Variant Classification Sherloc (09022015). Collection method: clinical testing. Allele origin: germline.
Comment: This variant has not been reported in the literature in individuals affected with FAT2-related conditions. This sequence change replaces aspartic acid, which is acidic and polar, with histidine, which is basic and polar, at codon 4094 of the FAT2 protein (p.Asp4094His). This variant is present in population databases (rs752111755, gnomAD 0.003%). Algorithms developed to predict the effect of missense changes on protein structure and function are either unavailable or do not agree on the potential impact of this missense change (SIFT: "Deleterious"; PolyPhen-2: "Possibly Damaging"; Align-GVGD: "Class C0"). In summary, the available evidence is currently insufficient to determine the role of this variant in disease. Therefore, it has been classified as a Variant of Uncertain Significance.

NM_001447.3(FAT2):c.12280G>C (p.Asp4094His)

Genes: FAT2 (FAT atypical cadherin 2; minus strand), SLC36A1 (solute carrier family 36 member 1; plus strand). Cytogenetic location: 5q33.1.
Variant type: single nucleotide variant.
Coding change: c.12280G>C on transcript NM_001447.3 (MANE Select); coding-DNA position 12280, G replaced by C.
Protein change: p.Asp4094His; replaces aspartic acid 4094 with histidine.
Molecular consequence: missense variant.
Genome position (GRCh38, 1-based): chr5:151,507,391, C>G on the plus strand (G>C on the coding strand, the complement: FAT2 is on the minus strand). VCF-style: chr5-151507391-C-G. GRCh37 (hg19) VCF-style: chr5-150886952-C-G.
Other names: short protein forms D4094H.
Identifiers: ClinVar variation 1918297 (VCV001918297.5), dbSNP rs752111755, ClinGen allele CA3519813.
Genomic context (GRCh38, chr5:151,507,391, plus strand): 5'-GGTTGTTGCAGGAGCTGGCACTCAATGGGTTGAGCTCGATGGCAGGCATGGCTTGGGTGT[C>G]AACACCAACACTCCTGGCCAGGAGGTCTGGGTCCTCCATGGCCACAGGCTTGTGAGACTT-3'
Protein context (NP_001438.1, residues 4084-4104): PDLLARSVGV[Asp4094His]TQAMPAIELN